The following is an entry in ClinVar:

NM_015046.7(SETX):c.3626A>G (p.Asn1209Ser)

Gene: SETX (senataxin; minus strand). Cytogenetic location: 9q34.13.
Variant type: single nucleotide variant.
Coding change: c.3626A>G on transcript NM_015046.7 (MANE Select); coding-DNA position 3626, A replaced by G.
Protein change: p.Asn1209Ser; replaces asparagine 1209 with serine.
Molecular consequence: missense variant.
Genome position (GRCh38, 1-based): chr9:132,327,972, T>C on the plus strand (A>G on the coding strand, the complement: SETX is on the minus strand). VCF-style: chr9-132327972-T-C. GRCh37 (hg19) VCF-style: chr9-135203359-T-C.
Other names: c.3626A>G, p.Asn1209Ser (NM_001351527.2, NM_001351528.2); short protein forms N1209S.
Identifiers: ClinVar variation 3360982 (VCV003360982.1).

ClinVar aggregate classification (germline): Uncertain significance (1 of 4 stars; one submission).

gnomAD v4.1: 3 of 1,613,958 alleles (0.00019%); highest among the groups gnomAD compares: East Asian, 0.0022%; no homozygotes.

Submission:

GeneDx
Classification: Uncertain significance. Last evaluated: 2023-07-11. Review status: criteria provided, single submitter. Criteria: GeneDx Variant Classification Process June 2021. Collection method: clinical testing. Allele origin: germline. Affected: yes.
Comment: Not observed at significant frequency in large population cohorts (gnomAD); In silico analysis supports that this missense variant does not alter protein structure/function; Has not been previously published as pathogenic or benign to our knowledge